The following is an entry in ClinVar:

ClinVar aggregate classification (germline): Likely pathogenic (1 of 4 stars; one submission).

Conditions:
Niemann-Pick disease, type C1. Also called: NIEMANN-PICK DISEASE, VARIANT TYPE C1; NIEMANN-PICK DISEASE WITHOUT SPHINGOMYELINASE DEFICIENCY; NIEMANN-PICK DISEASE, CHRONIC NEURONOPATHIC FORM; NEUROVISCERAL STORAGE DISEASE WITH VERTICAL SUPRANUCLEAR OPHTHALMOPLEGIA; NIEMANN-PICK DISEASE WITH CHOLESTEROL ESTERIFICATION BLOCK. Identifiers: Orphanet 646, MedGen C3179455, MONDO:0009757, OMIM 257220.

Submission:

Myriad Genetics, Inc.
Classification: Likely pathogenic for Niemann-Pick disease, type C1. Last evaluated: 2019-01-11. Review status: criteria provided, single submitter. Criteria: Myriad Women's Health Autosomal Recessive and X-Linked Classification Criteria (2019). Collection method: clinical testing. Allele origin: unknown.
Comment: NM_000271.4(NPC1):c.1092T>A(C364*) is expected to be pathogenic in the context of Niemann-Pick disease type C1. This variant is predicted to lead to an abnormal or absent protein product due to the creation of a premature termination codon in NPC1, a gene where loss-of-function variants are known to be pathogenic. Please note: this variant was assessed in the context of healthy population screening.

NM_000271.5(NPC1):c.1092T>A (p.Cys364Ter)

Gene: NPC1 (NPC intracellular cholesterol transporter 1; minus strand). Cytogenetic location: 18q11.2.
Variant type: single nucleotide variant.
Coding change: c.1092T>A on transcript NM_000271.5 (MANE Select); coding-DNA position 1092, T replaced by A.
Protein change: p.Cys364Ter; replaces cysteine 364 with a stop codon.
Molecular consequence: nonsense.
Genome position (GRCh38, 1-based): chr18:23,556,477, A>T on the plus strand (T>A on the coding strand, the complement: NPC1 is on the minus strand). VCF-style: chr18-23556477-A-T. GRCh37 (hg19) VCF-style: chr18-21136441-A-T.
Other names: short protein forms C364*.
Identifiers: ClinVar variation 983758 (VCV000983758.3), dbSNP rs2058953311, ClinGen allele CA401778391.